The following is an entry in ClinVar:

NM_000890.5(KCNJ5):c.*976G>A

Gene: KCNJ5 (potassium inwardly rectifying channel subfamily J member 5; plus strand). Cytogenetic location: 11q24.3.
Variant type: single nucleotide variant.
Coding change: c.*976G>A on transcript NM_000890.5 (MANE Select); 976 bases downstream of the stop codon, G replaced by A.
Molecular consequence: 3 prime UTR variant.
Genome position (GRCh38, 1-based): chr11:128,917,707, G>A. VCF-style: chr11-128917707-G-A. GRCh37 (hg19) VCF-style: chr11-128787602-G-A.
Other names: c.*976G>A (LRG_333t1, NM_001354169.2).
Identifiers: ClinVar variation 303656 (VCV000303656.9), dbSNP rs7102315, ClinGen allele CA10634165.

ClinVar aggregate classification (germline): Benign. Review status: criteria provided, multiple submitters, no conflicts (2 of 4 stars). 3 submissions from 3 submitters: Benign (3). Last evaluated 2021-05-12.

Conditions:
Familial hyperaldosteronism type III. Also called: FH III; Familial hyperaldosteronism type 3. Identifiers: Orphanet 251274, MedGen C3838758, MONDO:0013359, OMIM 613677.

Allele frequency attached by ClinVar (database versions not stated): 1000 Genomes Project 0.06090; TOPMed 0.06848; gnomAD 0.06040 and 0.06508; 1000 Genomes Project 30x 0.06558.

Submissions (3):

GeneDx
Classification: Benign. Last evaluated: 2021-05-12. Review status: criteria provided, single submitter. Criteria: GeneDx Variant Classification Process June 2021. Collection method: clinical testing. Allele origin: germline. Affected: yes.

Illumina Laboratory Services, Illumina
Classification: Benign for Familial hyperaldosteronism type III. Last evaluated: 2018-01-13. Review status: criteria provided, single submitter. Criteria: ICSL Variant Classification Criteria 13 December 2019. Collection method: clinical testing. Allele origin: germline.
Comment: This variant was observed in the ICSL laboratory as part of a predisposition screen in an ostensibly healthy population. It had not been previously curated by ICSL or reported in the Human Gene Mutation Database (HGMD: prior to June 1st, 2018), and was therefore a candidate for classification through an automated scoring system. Utilizing variant allele frequency, disease prevalence and penetrance estimates, and inheritance mode, an automated score was calculated to assess if this variant is too frequent to cause the disease. Based on the score and internal cut-off values, a variant classified as benign is not then subjected to further curation. The score for this variant resulted in a classification of benign for this disease.

Breakthrough Genomics
Classification: Benign. Review status: criteria provided, single submitter. Criteria: ACMG Guidelines, 2015. Collection method: not provided. Allele origin: germline. Inheritance: Autosomal dominant inheritance. Affected: yes.